The following is an entry in ClinVar:

ClinVar aggregate classification (germline): Pathogenic. Review status: criteria provided, multiple submitters, no conflicts (2 of 4 stars). 4 submissions from 4 submitters: Pathogenic (4). Last evaluated 2025-01-17.

Conditions:
Basal cell nevus syndrome 1 (BCNS1). Also called: GORLIN-GOLTZ SYNDROME; MULTIPLE BASAL CELL NEVI, ODONTOGENIC KERATOCYSTS, AND SKELETAL ANOMALIES. Identifiers: MedGen CN376810, MONDO:0958174, OMIM 109400.
Gorlin syndrome. Also called: Basal cell nevus syndrome; Nevoid Basal Cell Carcinoma Syndrome. Identifiers: Orphanet 377, MedGen C0004779, MONDO:0007187.
Hereditary cancer-predisposing syndrome. Also called: Neoplastic Syndromes, Hereditary; Hereditary neoplastic syndrome; Hereditary Cancer Syndrome; Tumor predisposition. Identifiers: Orphanet 140162, MedGen C0027672, MeSH D009386, MONDO:0015356.

Submissions (4):

Labcorp Genetics (formerly Invitae), Labcorp
Classification: Pathogenic for Gorlin syndrome. Last evaluated: 2025-01-17. Review status: criteria provided, single submitter. Criteria: Invitae Variant Classification Sherloc (09022015). Collection method: clinical testing. Allele origin: germline.
Comment: This sequence change creates a premature translational stop signal (p.Gln400*) in the PTCH1 gene. It is expected to result in an absent or disrupted protein product. Loss-of-function variants in PTCH1 are known to be pathogenic (PMID: 16301862, 16419085). This variant is not present in population databases (gnomAD no frequency). This premature translational stop signal has been observed in individual(s) with basal cell nevus syndrome (PMID: 29575684). ClinVar contains an entry for this variant (Variation ID: 654759). For these reasons, this variant has been classified as Pathogenic.

Ambry Genetics
Classification: Pathogenic for Hereditary cancer-predisposing syndrome. Last evaluated: 2024-07-16. Review status: criteria provided, single submitter. Criteria: Ambry Variant Classification Scheme 2023. Collection method: clinical testing. Allele origin: germline.
Comment: The p.Q400* pathogenic mutation (also known as c.1198C>T), located in coding exon 8 of the PTCH1 gene, results from a C to T substitution at nucleotide position 1198. This changes the amino acid from a glutamine to a stop codon within coding exon 8. This variant has been observed in at least one individual with a personal and/or family history that is consistent with PTCH1-associated disease (Ambry internal data). This variant is considered to be rare based on population cohorts in the Genome Aggregation Database (gnomAD). This alteration is expected to result in loss of function by premature protein truncation or nonsense-mediated mRNA decay. As such, this alteration is interpreted as a disease-causing mutation.

KCCC/NGS Laboratory, Kuwait Cancer Control Center
Classification: Pathogenic for Basal cell nevus syndrome 1. Last evaluated: 2023-07-07. Review status: criteria provided, single submitter. Criteria: ACMG Guidelines, 2015. Collection method: clinical testing. Allele origin: unknown. Affected: yes.
Comment: This sequence change creates a premature translational stop signal (p.Gln400*) in the PTCH1 gene. It is expected to result in an absent or disrupted protein product. This variant is not present in population databases (ExAC no frequency). This variant has been observed in an individual affected with basal cell nevus syndrome (PMID: 29575684). In-silico predictions show pathogenic computational verdict based on 5 pathogenic predictions from BayesDel_addAF, DANN, EIGEN, FATHMM-MKL and MutationTaster vs no benign predictions. Loss-of-function variants in PTCH1 are known to be pathogenic (PMID: 16301862, 16419085). Therefore, this variant has been classified as pathogenic.

Juno Genomics, Hangzhou Juno Genomics, Inc
Classification: Pathogenic for Basal cell nevus syndrome 1. Review status: criteria provided, single submitter. Criteria: ACMG Guidelines, 2015. Collection method: clinical testing. Allele origin: germline.
Comment: Absent from controls (or at extremely low frequency if recessive) in Genome Aggregation Database.;Null variant in a gene where loss of function (LOF) is a known mechanism of disease.;The prevalence of the variant in affected individuals is significantly increased compared to the prevalence in controls.

Literature cited by the submitters: PubMed 16301862 (cited by Labcorp Genetics (formerly Invitae), Labcorp); PubMed 16419085 (cited by Labcorp Genetics (formerly Invitae), Labcorp); PubMed 29575684 (cited by Labcorp Genetics (formerly Invitae), Labcorp).

NM_000264.5(PTCH1):c.1198C>T (p.Gln400Ter)

Gene: PTCH1 (patched 1; minus strand). Cytogenetic location: 9q22.32.
Variant type: single nucleotide variant.
Coding change: c.1198C>T on transcript NM_000264.5 (MANE Select); coding-DNA position 1198, C replaced by T.
Protein change: p.Gln400Ter; replaces glutamine 400 with a stop codon.
Molecular consequence: nonsense. On other transcripts: non-coding transcript variant (1).
Genome position (GRCh38, 1-based): chr9:95,479,017, G>A on the plus strand (C>T on the coding strand, the complement: PTCH1 is on the minus strand). VCF-style: chr9-95479017-G-A. GRCh37 (hg19) VCF-style: chr9-98241299-G-A.
Other names: c.1000C>T, p.Gln334Ter (NM_001083602.3); c.1195C>T, p.Gln399Ter (NM_001083603.3); c.745C>T, p.Gln249Ter (NM_001083604.3, NM_001083605.3, NM_001083606.3 and 1 more transcripts); c.1198C>T, p.Gln400Ter (NM_001354918.2); short protein forms Q334*, Q399*, Q249*, Q400*.
Identifiers: ClinVar variation 654759 (VCV000654759.14), dbSNP rs1588605348, ClinGen allele CA374119242.